The following is an entry in ClinVar:

NM_000277.3(PAH):c.509A>C (p.His170Pro)

Gene: PAH (phenylalanine hydroxylase; minus strand). Cytogenetic location: 12q23.2.
Variant type: single nucleotide variant.
Coding change: c.509A>C on transcript NM_000277.3 (MANE Select); coding-DNA position 509, A replaced by C.
Protein change: p.His170Pro; replaces histidine 170 with proline.
Molecular consequence: missense variant.
Genome position (GRCh38, 1-based): chr12:102,866,596, T>G on the plus strand (A>C on the coding strand, the complement: PAH is on the minus strand). VCF-style: chr12-102866596-T-G. GRCh37 (hg19) VCF-style: chr12-103260374-T-G.
Other names: c.509A>C, p.His170Pro (NM_001354304.2); short protein forms H170P.
Identifiers: ClinVar variation 1494029 (VCV001494029.10), dbSNP rs199475573, ClinGen allele CA16020805.

ClinVar aggregate classification (germline): Pathogenic/Likely pathogenic. Review status: criteria provided, multiple submitters, no conflicts (2 of 4 stars). 2 submissions from 2 submitters: Pathogenic (1); Likely pathogenic (1). Last evaluated 2025-12-19.

Conditions:
Phenylketonuria (PKU). Also called: OLIGOPHRENIA PHENYLPYRUVICA; Phenylketonurias; Phenylketonuria (PKU); FOLLING DISEASE. Identifiers: Orphanet 716, MedGen C0031485, MONDO:0009861, OMIM 261600. Disease mechanism: loss of function.

gnomAD v4.1: 1 of 1,612,490 alleles (0.000062%); no homozygotes.

Submissions (2):

Labcorp Genetics (formerly Invitae), Labcorp
Classification: Pathogenic for Phenylketonuria. Last evaluated: 2025-12-19. Review status: criteria provided, single submitter. Criteria: Invitae Variant Classification Sherloc (09022015). Collection method: clinical testing. Allele origin: germline.
Comment: This sequence change replaces histidine, which is basic and polar, with proline, which is neutral and non-polar, at codon 170 of the PAH protein (p.His170Pro). This variant is not present in population databases (gnomAD no frequency). This missense change has been observed in individual(s) with clinical features of hyperphenylalaninemia (PMID: 26503515; internal data). ClinVar contains an entry for this variant (Variation ID: 1494029). An algorithm developed to predict the effect of missense changes on protein structure and function (PolyPhen-2) suggests that this variant is likely to be disruptive. This variant disrupts the p.His170 amino acid residue in PAH. Other variant(s) that disrupt this residue have been determined to be pathogenic (PMID: 11385716, 12971421, 15557004, 17935162). This suggests that this residue is clinically significant, and that variants that disrupt this residue are likely to be disease-causing. For these reasons, this variant has been classified as Pathogenic.

Women's Health and Genetics/Laboratory Corporation of America, LabCorp
Classification: Likely pathogenic for Phenylketonuria. Last evaluated: 2025-04-22. Review status: criteria provided, single submitter. Criteria: LabCorp Variant Classification Summary - May 2015. Collection method: clinical testing. Allele origin: germline.
Comment: Variant summary: PAH c.509A>C (p.His170Pro) results in a non-conservative amino acid change located in the Aromatic amino acid hydroxylase, C-terminal (IPR019774) of the encoded protein sequence. Multiple pathogenic variants at this codon have been reported (c.510T>A, p.His170Gln, c.510T>G, p.His170Gln, c.508C>G, p.His170Asp), supporting a critical relevance of this residue to PAH protein function. Five of five in-silico tools predict a damaging effect of the variant on protein function. Consensus agreement among computation tools predict no significant impact on normal splicing. However, these predictions have yet to be confirmed by functional studies. The variant was absent in 251354 control chromosomes. c.509A>C has been observed in individual(s) affected with Phenylalanine Hydroxylase Deficiency (Phenylketonuria) (example, Li_2018, internal testing). These data indicate that the variant may be associated with disease. To our knowledge, no experimental evidence demonstrating an impact on protein function has been reported. The following publications have been ascertained in the context of this evaluation (PMID: 26503515, 30050108). ClinVar contains an entry for this variant (Variation ID: 1494029). Based on the evidence outlined above, the variant was classified as likely pathogenic.

Literature cited by the submitters: PubMed 26503515 (cited by Labcorp Genetics (formerly Invitae), Labcorp and Women's Health and Genetics/Laboratory Corporation of America, LabCorp); PubMed 11385716 (cited by Labcorp Genetics (formerly Invitae), Labcorp); PubMed 12971421 (cited by Labcorp Genetics (formerly Invitae), Labcorp); PubMed 15557004 (cited by Labcorp Genetics (formerly Invitae), Labcorp); PubMed 17935162 (cited by Labcorp Genetics (formerly Invitae), Labcorp); PubMed 30050108 (cited by Women's Health and Genetics/Laboratory Corporation of America, LabCorp).